The following is an entry in ClinVar:

NM_203447.4(DOCK8):c.6134A>C (p.Glu2045Ala)

Gene: DOCK8 (dedicator of cytokinesis 8; plus strand). Cytogenetic location: 9p24.3.
Variant type: single nucleotide variant.
Coding change: c.6134A>C on transcript NM_203447.4 (MANE Select); coding-DNA position 6134, A replaced by C.
Protein change: p.Glu2045Ala; replaces glutamic acid 2045 with alanine.
Molecular consequence: missense variant.
Genome position (GRCh38, 1-based): chr9:463,582, A>C. VCF-style: chr9-463582-A-C. GRCh37 (hg19) VCF-style: chr9-463582-A-C.
Other names: c.5834A>C, p.Glu1945Ala (NM_001190458.2); c.5930A>C, p.Glu1977Ala (NM_001193536.2); short protein forms E2045A, E1977A, E1945A.
Identifiers: ClinVar variation 1896525 (VCV001896525.3), dbSNP rs775264525, ClinGen allele CA4959690.
Genomic context (GRCh38, chr9:463,582, plus strand): 5'-GTGAAGCTGTAGAGAAAAACAAGCGTCTCATCACGGCAGACCAGAGGGAATATCAGCAGG[A>C]ACTCAAAAAGAACTATAACAAGCTAAAAGAGAACCTCAGGCCAATGATCGAGCGGAAAAT-3'
Protein context (NP_982272.2, residues 2035-2055): ITADQREYQQ[Glu2045Ala]LKKNYNKLKE

ClinVar aggregate classification (germline): Uncertain significance. Review status: criteria provided, multiple submitters, no conflicts (2 of 4 stars). 2 submissions from 2 submitters: Uncertain significance (2). Last evaluated 2024-01-03.

Conditions:
Combined immunodeficiency due to DOCK8 deficiency (HIES2). Also called: HYPER-IgE SYNDROME 2, AUTOSOMAL RECESSIVE, WITH RECURRENT INFECTIONS; HIES autosomal recessive; HYPER-IgE RECURRENT INFECTION SYNDROME 2, AUTOSOMAL RECESSIVE; DOCK8 Deficiency; Hyper-IgE recurrent infection syndrome, autosomal recessive. Identifiers: Orphanet 217390, MedGen C4722305, MONDO:0009478, OMIM 243700.

Allele frequency attached by ClinVar (database versions not stated): ExAC 0.00001; TOPMed 0.00002; gnomAD 0.00003.
gnomAD v4.1: 23 of 1,614,104 alleles (0.0014%); highest among the groups gnomAD compares: Non-Finnish European, 0.0019%; no homozygotes.

Submissions (2):

Blueprint Genetics
Classification: Uncertain significance. Last evaluated: 2024-01-03. Review status: criteria provided, single submitter. Criteria: ACMG Guidelines, 2015. Collection method: clinical testing. Allele origin: germline.

Labcorp Genetics (formerly Invitae), Labcorp
Classification: Uncertain significance for Combined immunodeficiency due to DOCK8 deficiency. Last evaluated: 2022-10-13. Review status: criteria provided, single submitter. Criteria: Invitae Variant Classification Sherloc (09022015). Collection method: clinical testing. Allele origin: germline.
Comment: This sequence change replaces glutamic acid, which is acidic and polar, with alanine, which is neutral and non-polar, at codon 2045 of the DOCK8 protein (p.Glu2045Ala). This variant is present in population databases (rs775264525, gnomAD 0.007%). This variant has not been reported in the literature in individuals affected with DOCK8-related conditions. Advanced modeling of protein sequence and biophysical properties (such as structural, functional, and spatial information, amino acid conservation, physicochemical variation, residue mobility, and thermodynamic stability) performed at Invitae indicates that this missense variant is expected to disrupt DOCK8 protein function. In summary, the available evidence is currently insufficient to determine the role of this variant in disease. Therefore, it has been classified as a Variant of Uncertain Significance.